The following is an entry in ClinVar:

ClinVar aggregate classification (germline): Likely benign (1 of 4 stars; one submission).

Allele frequency attached by ClinVar (database versions not stated): ExAC 0.00004; gnomAD 0.00004; TOPMed 0.00005; gnomAD exomes 0.00008.
gnomAD v4.1: 120 of 1,613,118 alleles (0.0074%); highest among the groups gnomAD compares: Middle Eastern, 0.033%; no homozygotes.

Submission:

CeGaT Center for Human Genetics Tuebingen
Classification: Likely benign. Last evaluated: 2022-11-01. Review status: criteria provided, single submitter. Criteria: CeGaT Center For Human Genetics Tuebingen Variant Classification Criteria Version 2. Collection method: clinical testing. Allele origin: germline. Affected: yes. Observed: 1 variant allele.
Comment: CFAP65: BP4, BP7

NM_194302.4(CFAP65):c.2211+49C>T

Gene: CFAP65 (cilia and flagella associated protein 65; minus strand). Cytogenetic location: 2q35.
Variant type: single nucleotide variant.
Coding change: c.2211+49C>T on transcript NM_194302.4 (MANE Select); 49 bases into the intron after coding-DNA position 2211, C replaced by T.
Molecular consequence: intron variant. On other transcripts: synonymous variant (2).
Genome position (GRCh38, 1-based): chr2:219,027,601, G>A on the plus strand (C>T on the coding strand, the complement: CFAP65 is on the minus strand). VCF-style: chr2-219027601-G-A. GRCh37 (hg19) VCF-style: chr2-219892323-G-A.
Other names: c.2227C>T, p.Leu743= (NM_001278295.1); c.2065C>T, p.Leu689= (NM_001278296.2).
Identifiers: ClinVar variation 3025447 (VCV003025447.22), dbSNP rs781216376, ClinGen allele CA2115739.